The following is an entry in ClinVar:

NM_004260.4(RECQL4):c.803C>G (p.Pro268Arg)

Gene: RECQL4 (RecQ like helicase 4; minus strand). Cytogenetic location: 8q24.3.
Variant type: single nucleotide variant.
Coding change: c.803C>G on transcript NM_004260.4 (MANE Select); coding-DNA position 803, C replaced by G.
Protein change: p.Pro268Arg; replaces proline 268 with arginine.
Molecular consequence: missense variant. On other transcripts: 5 prime UTR variant (17), non-coding transcript variant (3).
Genome position (GRCh38, 1-based): chr8:144,516,316, G>C on the plus strand (C>G on the coding strand, the complement: RECQL4 is on the minus strand). VCF-style: chr8-144516316-G-C. GRCh37 (hg19) VCF-style: chr8-145741700-G-C.
Other names: c.803C>G, p.Pro268Arg (NM_001413017.1, NM_001413018.1, NM_001413019.1 and 4 more transcripts); c.-269C>G (NM_001413021.1, NM_001413022.1, NM_001413023.1 and 7 more transcripts); c.674C>G, p.Pro225Arg (NM_001413025.1); c.-331C>G (NM_001413027.1, NM_001413030.1, NM_001413031.1 and 2 more transcripts); c.452C>G, p.Pro151Arg (NM_001413029.1); c.-173C>G (NM_001413034.1); c.-538C>G (NM_001413043.1); short protein forms P151R, P225R, P268R.
Identifiers: ClinVar variation 4863153 (VCV004863153.1).

ClinVar aggregate classification (germline): Uncertain significance (1 of 4 stars; one submission).

Conditions:
Inborn genetic diseases. Identifiers: MedGen C0950123, MeSH D030342.

Submission:

Ambry Genetics
Classification: Uncertain significance for Inborn genetic diseases. Last evaluated: 2026-03-30. Review status: criteria provided, single submitter. Criteria: Ambry Variant Classification Scheme 2023. Collection method: clinical testing. Allele origin: germline.
Comment: The p.P268R variant (also known as c.803C>G), located in coding exon 5 of the RECQL4 gene, results from a C to G substitution at nucleotide position 803. The proline at codon 268 is replaced by arginine, an amino acid with dissimilar properties. This amino acid position is conserved. In addition, this alteration is predicted to be tolerated by in silico analysis. Based on the available evidence, the clinical significance of this variant remains unclear.